The following is an entry in ClinVar:

ClinVar aggregate classification (germline): Uncertain significance (1 of 4 stars; one submission).

Allele frequency attached by ClinVar (database versions not stated): gnomAD exomes below 0.00001.
gnomAD v4.1: 2 of 1,612,472 alleles (0.00012%); highest among the groups gnomAD compares: South Asian, 0.0011%; no homozygotes.

Submission:

Ambry Genetics
Classification: Uncertain significance. Last evaluated: 2021-09-30. Review status: criteria provided, single submitter. Criteria: Ambry Variant Classification Scheme 2023. Collection method: clinical testing. Allele origin: germline.
Comment: The p.S554F variant (also known as c.1661C>T), located in coding exon 13 of the NPAT gene, results from a C to T substitution at nucleotide position 1661. The serine at codon 554 is replaced by phenylalanine, an amino acid with highly dissimilar properties. This amino acid position is conserved. In addition, this alteration is predicted to be tolerated by in silico analysis. Since supporting evidence is limited at this time, the clinical significance of this alteration remains unclear.

NM_002519.3(NPAT):c.1661C>T (p.Ser554Phe)

Gene: NPAT (nuclear protein, coactivator of histone transcription; minus strand). Cytogenetic location: 11q22.3.
Variant type: single nucleotide variant.
Coding change: c.1661C>T on transcript NM_002519.3 (MANE Select); coding-DNA position 1661, C replaced by T.
Protein change: p.Ser554Phe; replaces serine 554 with phenylalanine.
Molecular consequence: missense variant.
Genome position (GRCh38, 1-based): chr11:108,173,323, G>A on the plus strand (C>T on the coding strand, the complement: NPAT is on the minus strand). VCF-style: chr11-108173323-G-A. GRCh37 (hg19) VCF-style: chr11-108044050-G-A.
Other names: c.1661C>T, p.Ser554Phe (NM_001321307.1); short protein forms S554F.
Identifiers: ClinVar variation 1777492 (VCV001777492.2), dbSNP rs1272385584, ClinGen allele CA382514645.